The following is an entry in ClinVar:

ClinVar aggregate classification (germline): Uncertain significance (1 of 4 stars; one submission).

Allele frequency attached by ClinVar (database versions not stated): gnomAD exomes below 0.00001; ExAC 0.00001; TOPMed 0.00001.
gnomAD v4.1: 3 of 1,613,976 alleles (0.00019%); highest among the groups gnomAD compares: Middle Eastern, 0.017%; no homozygotes.

Submission:

Labcorp Genetics (formerly Invitae), Labcorp
Classification: Uncertain significance. Last evaluated: 2022-11-03. Review status: criteria provided, single submitter. Criteria: Invitae Variant Classification Sherloc (09022015). Collection method: clinical testing. Allele origin: germline.
Comment: ClinVar contains an entry for this variant (Variation ID: 1493627). In summary, the available evidence is currently insufficient to determine the role of this variant in disease. Therefore, it has been classified as a Variant of Uncertain Significance. Algorithms developed to predict the effect of sequence changes on RNA splicing suggest that this variant is not likely to affect RNA splicing. This variant has not been reported in the literature in individuals affected with RP1-related conditions. This variant is present in population databases (rs113763758, gnomAD 0.007%). This sequence change affects codon 262 of the RP1 mRNA. It is a 'silent' change, meaning that it does not change the encoded amino acid sequence of the RP1 protein. It affects a nucleotide within the consensus splice site.

NM_006269.2(RP1):c.786G>A (p.Lys262=)

Gene: RP1 (RP1 axonemal microtubule associated; plus strand). Cytogenetic location: 8q12.1.
Variant type: single nucleotide variant.
Coding change: c.786G>A on transcript NM_006269.2 (MANE Select); coding-DNA position 786, G replaced by A.
Protein change: p.Lys262=; no amino-acid change (lysine 262 retained).
Molecular consequence: synonymous variant.
Genome position (GRCh38, 1-based): chr8:54,622,287, G>A. VCF-style: chr8-54622287-G-A. GRCh37 (hg19) VCF-style: chr8-55534847-G-A.
Other names: c.786G>A, p.Lys262= (NM_001375654.1).
Identifiers: ClinVar variation 1493627 (VCV001493627.8), dbSNP rs113763758, ClinGen allele CA4751257.
Genomic context (GRCh38, chr8:54,622,287, plus strand): 5'-ATTACCAGGGATCTCTCAGCGTGTGTACCCCAAGGGAAATGCAAAGTCAGAAAGCAGAAA[G>A]AGTAAGTCACTTATTAATATATAGCCCATATTTTTAGCCCTGAGATTTTTTTTGCCTCAA-3'
Protein context (NP_006260.1, residues 252-272): PKGNAKSESR[Lys262=]ISTHMSSSSR